The following is an entry in ClinVar:

NM_001851.6(COL9A1):c.2146C>T (p.Pro716Ser)

Gene: COL9A1 (collagen type IX alpha 1 chain; minus strand). Cytogenetic location: 6q13.
Variant type: single nucleotide variant.
Coding change: c.2146C>T on transcript NM_001851.6 (MANE Select); coding-DNA position 2146, C replaced by T.
Protein change: p.Pro716Ser; replaces proline 716 with serine.
Molecular consequence: missense variant. On other transcripts: non-coding transcript variant (1), intron variant (1).
Genome position (GRCh38, 1-based): chr6:70,234,907, G>A on the plus strand (C>T on the coding strand, the complement: COL9A1 is on the minus strand). VCF-style: chr6-70234907-G-A. GRCh37 (hg19) VCF-style: chr6-70944610-G-A.
Other names: c.1447C>T, p.Pro483Ser (NM_001377289.1); c.1417C>T, p.Pro473Ser (NM_078485.4); c.1384-314C>T (NM_001377290.1); short protein forms P716S, P483S, P473S.
Identifiers: ClinVar variation 934157 (VCV000934157.9), dbSNP rs977443998, ClinGen allele CA140848757.

ClinVar aggregate classification (germline): Uncertain significance (1 of 4 stars; one submission).

Allele frequency attached by ClinVar (database versions not stated): gnomAD exomes below 0.00001 and 0.00001; TOPMed 0.00001.
gnomAD v4.1: 4 of 1,614,082 alleles (0.00025%); highest among the groups gnomAD compares: East Asian, 0.0089%; no homozygotes.

Submission:

Labcorp Genetics (formerly Invitae), Labcorp
Classification: Uncertain significance. Last evaluated: 2022-09-13. Review status: criteria provided, single submitter. Criteria: Invitae Variant Classification Sherloc (09022015). Collection method: clinical testing. Allele origin: germline.
Comment: This sequence change replaces proline, which is neutral and non-polar, with serine, which is neutral and polar, at codon 716 of the COL9A1 protein (p.Pro716Ser). This variant is present in population databases (no rsID available, gnomAD 0.01%). This variant has not been reported in the literature in individuals affected with COL9A1-related conditions. ClinVar contains an entry for this variant (Variation ID: 934157). Advanced modeling of protein sequence and biophysical properties (such as structural, functional, and spatial information, amino acid conservation, physicochemical variation, residue mobility, and thermodynamic stability) performed at Invitae indicates that this missense variant is not expected to disrupt COL9A1 protein function. In summary, the available evidence is currently insufficient to determine the role of this variant in disease. Therefore, it has been classified as a Variant of Uncertain Significance.